The following is an entry in ClinVar:

ClinVar aggregate classification (germline): Benign (0 of 4 stars; one submission).

Conditions:
IQGAP3-related disorder. Also called: IQGAP3-related condition.

Allele frequency attached by ClinVar (database versions not stated): ESP Exome Variant Server 0.00015; gnomAD exomes 0.00032; TOPMed 0.00051; gnomAD 0.00055; ExAC 0.00089; 1000 Genomes Project 30x 0.00312; 1000 Genomes Project 0.00319.
gnomAD v4.1: 601 of 1,594,186 alleles (0.038%); highest among the groups gnomAD compares: East Asian, 0.96%; 7 homozygotes.

Submission:

PreventionGenetics, part of Exact Sciences
Classification: Benign for IQGAP3-related condition. Last evaluated: 2019-05-23. Review status: no assertion criteria provided. Collection method: clinical testing. Allele origin: germline.
Comment: This variant is classified as benign based on ACMG/AMP sequence variant interpretation guidelines (Richards et al. 2015 PMID: 25741868, with internal and published modifications).

NM_178229.5(IQGAP3):c.1148G>A (p.Arg383Gln)

Gene: IQGAP3 (IQ motif containing GTPase activating protein 3; minus strand). Cytogenetic location: 1q22.
Variant type: single nucleotide variant.
Coding change: c.1148G>A on transcript NM_178229.5 (MANE Select); coding-DNA position 1148, G replaced by A.
Protein change: p.Arg383Gln; replaces arginine 383 with glutamine.
Molecular consequence: missense variant.
Genome position (GRCh38, 1-based): chr1:156,556,675, C>T on the plus strand (G>A on the coding strand, the complement: IQGAP3 is on the minus strand). VCF-style: chr1-156556675-C-T. GRCh37 (hg19) VCF-style: chr1-156526467-C-T.
Other names: short protein forms R383Q.
Identifiers: ClinVar variation 3039668 (VCV003039668.2), dbSNP rs145312899, ClinGen allele CA1161722.